The following is an entry in ClinVar:

ClinVar aggregate classification (germline): Uncertain significance (1 of 4 stars; one submission).

Allele frequency attached by ClinVar (database versions not stated): gnomAD exomes below 0.00001; TOPMed below 0.00001; gnomAD 0.00001.
gnomAD v4.1: 6 of 1,594,666 alleles (0.00038%); highest among the groups gnomAD compares: Admixed American, 0.0017%; no homozygotes.

Submission:

Labcorp Genetics (formerly Invitae), Labcorp
Classification: Uncertain significance. Last evaluated: 2025-10-26. Review status: criteria provided, single submitter. Criteria: Invitae Variant Classification Sherloc (09022015). Collection method: clinical testing. Allele origin: germline.
Comment: This sequence change affects codon 745 of the PACS2 mRNA. It is a 'silent' change, meaning that it does not change the encoded amino acid sequence of the PACS2 protein. The frequency data for this variant in the population databases is considered unreliable, as metrics indicate poor data quality at this position in the gnomAD database. This variant has not been reported in the literature in individuals affected with PACS2-related conditions. ClinVar contains an entry for this variant (Variation ID: 2783416). Algorithms developed to predict the effect of sequence changes on RNA splicing suggest that this variant may disrupt the consensus splice site. In summary, the available evidence is currently insufficient to determine the role of this variant in disease. Therefore, it has been classified as a Variant of Uncertain Significance.

NM_001100913.3(PACS2):c.2235C>T (p.Ser745=)

Gene: PACS2 (phosphofurin acidic cluster sorting protein 2; plus strand). Cytogenetic location: 14q32.33.
Variant type: single nucleotide variant.
Coding change: c.2235C>T on transcript NM_001100913.3 (MANE Select); coding-DNA position 2235, C replaced by T.
Protein change: p.Ser745=; no amino-acid change (serine 745 retained).
Molecular consequence: synonymous variant.
Genome position (GRCh38, 1-based): chr14:105,391,746, C>T. VCF-style: chr14-105391746-C-T. GRCh37 (hg19) VCF-style: chr14-105858083-C-T.
Other names: c.1965C>T, p.Ser655= (NM_001243127.3); c.2190C>T, p.Ser730= (NM_015197.4).
Identifiers: ClinVar variation 2783416 (VCV002783416.3), dbSNP rs942220876, ClinGen allele CA266583364.